The following is an entry in ClinVar:

Conditions:
Breast-ovarian cancer, familial, susceptibility to, 1 (BROVCA1). Also called: BRCA1 Hereditary Breast and Ovarian Cancer; OVARIAN CANCER, SUSCEPTIBILITY TO. Identifiers: Orphanet 145, MedGen C2676676, MONDO:0011450, OMIM 604370. Disease mechanism: loss of function.

Submission:

Brotman Baty Institute, University of Washington
No classification provided (evidence only). Condition: Breast-ovarian cancer, familial 1. Review status: no classification provided. Collection method: in vitro. Allele origin: not applicable. Functional consequence: functionally_abnormal.
ClinVar note: "not provided" was previously submitted as the classification for the variant. However, the classification appeared to be based only on an observation of functional data so it was converted to no classification on 2025-07-30.

NM_007294.4(BRCA1):c.5230A>T (p.Arg1744Ter)

Gene: BRCA1 (BRCA1 DNA repair associated; minus strand). Cytogenetic location: 17q21.31.
Variant type: single nucleotide variant.
Coding change: c.5230A>T on transcript NM_007294.4 (MANE Select); coding-DNA position 5230, A replaced by T.
Protein change: p.Arg1744Ter; replaces arginine 1744 with a stop codon.
Molecular consequence: nonsense. On other transcripts: non-coding transcript variant (1).
Genome position (GRCh38, 1-based): chr17:43,057,099, T>A on the plus strand (A>T on the coding strand, the complement: BRCA1 is on the minus strand). VCF-style: chr17-43057099-T-A. GRCh37 (hg19) VCF-style: chr17-41209116-T-A.
Other names: c.5017A>T, p.Arg1673Ter (NM_001407571.1, NM_001407900.1, NM_001407902.1 and 12 more transcripts); c.5296A>T, p.Arg1766Ter (NM_001407581.1, NM_001407582.1); c.5293A>T, p.Arg1765Ter (NM_001407583.1, NM_001407585.1, NM_001407587.1 and 1 more transcripts); c.5227A>T, p.Arg1743Ter (NM_001407610.1, NM_001407611.1, NM_001407612.1 and 17 more transcripts); c.5224A>T, p.Arg1742Ter (NM_001407629.1, NM_001407630.1, NM_001407631.1 and 14 more transcripts); c.5170A>T, p.Arg1724Ter (NM_001407649.1); c.5152A>T, p.Arg1718Ter (NM_001407652.1, NM_001407653.1, NM_001407654.1 and 1 more transcripts); c.5149A>T, p.Arg1717Ter (NM_001407656.1, NM_001407657.1, NM_001407658.1); and 72 more; short protein forms R640*, R1697*, R1744*, R1765*, R1575*, R1615*, R1617*, R1631*.
Identifiers: ClinVar variation 867869 (VCV000867869.3), dbSNP rs2051515528, ClinGen allele CA10591083.